The following is an entry in ClinVar:

ClinVar aggregate classification (germline): Likely benign. Review status: criteria provided, multiple submitters, no conflicts (2 of 4 stars). 3 submissions from 3 submitters: Likely benign (2). 1 of the submissions does not count toward it. Last evaluated 2025-03-16.

Conditions:
CHD2-related disorder. Also called: CHD2-related condition.
Developmental and epileptic encephalopathy 94 (DEE94). Also called: Epileptic encephalopathy, childhood-onset; CHD2-Related Neurodevelopmental Disorders. Identifiers: Orphanet 1942, Orphanet 2382, MedGen C3809278, MONDO:0014150, OMIM 615369.

Allele frequency attached by ClinVar (database versions not stated): ExAC 0.00001; gnomAD 0.00001; gnomAD exomes 0.00001; TOPMed 0.00001.
gnomAD v4.1: 15 of 1,613,518 alleles (0.00093%); highest among the groups gnomAD compares: African/African-American, 0.0053%; no homozygotes.

Submissions (3):

Labcorp Genetics (formerly Invitae), Labcorp
Classification: Likely benign for Developmental and epileptic encephalopathy 94. Last evaluated: 2025-03-16. Review status: criteria provided, single submitter. Criteria: Invitae Variant Classification Sherloc (09022015). Collection method: clinical testing. Allele origin: germline.

CeGaT Center for Human Genetics Tuebingen
Classification: Likely benign. Last evaluated: 2022-05-01. Review status: criteria provided, single submitter. Criteria: CeGaT Center For Human Genetics Tuebingen Variant Classification Criteria Version 2. Collection method: clinical testing. Allele origin: germline. Affected: yes. Observed: 1 variant allele.
Comment: CHD2: BP4, BP7

PreventionGenetics, part of Exact Sciences
Classification: Likely benign for CHD2-related condition. Last evaluated: 2024-05-22. Review status: no assertion criteria provided. Collection method: clinical testing. Allele origin: germline. Not counted in ClinVar's aggregate classification.
Comment: This variant is classified as likely benign based on ACMG/AMP sequence variant interpretation guidelines (Richards et al. 2015 PMID: 25741868, with internal and published modifications).

NM_001271.4(CHD2):c.870C>T (p.Gly290=)

Gene: CHD2 (chromodomain helicase DNA binding protein 2; plus strand). Cytogenetic location: 15q26.1.
Variant type: single nucleotide variant.
Coding change: c.870C>T on transcript NM_001271.4 (MANE Select); coding-DNA position 870, C replaced by T.
Protein change: p.Gly290=; no amino-acid change (glycine 290 retained).
Molecular consequence: synonymous variant.
Genome position (GRCh38, 1-based): chr15:92,942,886, C>T. VCF-style: chr15-92942886-C-T. GRCh37 (hg19) VCF-style: chr15-93486116-C-T.
Other names: c.870C>T (NM_001271.3); c.870C>T, p.Gly290= (NM_001042572.3).
Identifiers: ClinVar variation 1442931 (VCV001442931.32), dbSNP rs748380979, ClinGen allele CA7747652.